The following is an entry in ClinVar:

ClinVar aggregate classification (germline): Uncertain significance (1 of 4 stars; one submission).

Submission:

Labcorp Genetics (formerly Invitae), Labcorp
Classification: Uncertain significance. Last evaluated: 2025-06-24. Review status: criteria provided, single submitter. Criteria: Invitae Variant Classification Sherloc (09022015). Collection method: clinical testing. Allele origin: germline.
Comment: This sequence change affects an acceptor splice site in intron 4 of the ABL1 gene. It is expected to disrupt RNA splicing. Variants that disrupt the donor or acceptor splice site typically lead to a loss of protein function (PMID: 16199547), however the current clinical and genetic evidence is not sufficient to establish whether loss-of-function variants in ABL1 cause disease. This variant is not present in population databases (gnomAD no frequency). This variant has not been reported in the literature in individuals affected with ABL1-related conditions. Algorithms developed to predict the effect of sequence changes on RNA splicing suggest that this variant may disrupt the consensus splice site. In summary, the available evidence is currently insufficient to determine the role of this variant in disease. Therefore, it has been classified as a Variant of Uncertain Significance.

Literature cited by the submitters: PubMed 16199547.

NM_005157.6(ABL1):c.823-2A>G

Gene: ABL1 (ABL proto-oncogene 1, non-receptor tyrosine kinase; plus strand). Cytogenetic location: 9q34.12.
Variant type: single nucleotide variant.
Coding change: c.823-2A>G on transcript NM_005157.6 (MANE Select); the canonical splice acceptor site of the intron before coding-DNA position 823, A replaced by G.
Molecular consequence: splice acceptor variant.
Genome position (GRCh38, 1-based): chr9:130,872,127, A>G. VCF-style: chr9-130872127-A-G. GRCh37 (hg19) VCF-style: chr9-133747514-A-G.
Other names: c.880-2A>G (NM_007313.3).
Identifiers: ClinVar variation 4721686 (VCV004721686.1).